The following is an entry in ClinVar:

NM_080425.4(GNAS):c.2069-5346_2069-5335del

Gene: GNAS (GNAS complex locus; plus strand). Cytogenetic location: 20q13.32.
Variant type: Deletion.
Coding change: c.2069-5346_2069-5335del on transcript NM_080425.4 (MANE Plus Clinical); 5346 bases into the intron before coding-DNA position 2069 through 5335 bases into the intron before coding-DNA position 2069, 12 bases deleted (CGGCCGCCGCCG).
Molecular consequence: intron variant.
Genome position (GRCh38, 1-based): chr20:58,890,266-58,890,277, CGGCCGCCGCCG deleted; deleting any 12 consecutive bases within chr20:58,890,256-58,890,277 gives the same sequence; the c. name uses the placement nearest the transcript's 3' end. VCF-style (leftmost placement, unchanged base first): chr20-58890255-CGCCGCCGCCGCG-C. GRCh37 (hg19) VCF-style: chr20-57465310-CGCCGCCGCCGCG-C.
Other names: c.*43-5346_*43-5335del (NM_016592.5); c.44-5346_44-5335del (NM_001410912.1); c.-38-5346_-38-5335del (NM_001309861.2); c.*1-5346_*1-5335del (NM_001077490.3); c.2069-5346_2069-5335del (NM_001410913.1); c.*159-5346_*159-5335del (NM_001309883.1); c.-39+913_-39+924del (NM_001438273.1, NM_001309840.2); c.-39+934_-39+945del (NM_001439291.1, NM_001438274.1).
Identifiers: ClinVar variation 3067516 (VCV003067516.20), dbSNP rs898600720, ClinGen allele CA316318822.

ClinVar aggregate classification (germline): Likely benign (1 of 4 stars; one submission).

Submission:

CeGaT Center for Human Genetics Tuebingen
Classification: Likely benign. Last evaluated: 2025-01-01. Review status: criteria provided, single submitter. Criteria: CeGaT Center For Human Genetics Tuebingen Variant Classification Criteria Version 2. Collection method: clinical testing. Allele origin: germline. Affected: yes. Observed: 3 variant alleles.
Comment: GNAS: BS1